The following is an entry in ClinVar:

ClinVar aggregate classification (germline): Uncertain significance (1 of 4 stars; one submission).

Allele frequency attached by ClinVar (database versions not stated): TOPMed 0.00001.

Submission:

Labcorp Genetics (formerly Invitae), Labcorp
Classification: Uncertain significance. Last evaluated: 2022-03-09. Review status: criteria provided, single submitter. Criteria: Invitae Variant Classification Sherloc (09022015). Collection method: clinical testing. Allele origin: germline.
Comment: This sequence change replaces lysine, which is basic and polar, with threonine, which is neutral and polar, at codon 38 of the PIGB protein (p.Lys38Thr). This variant is not present in population databases (gnomAD no frequency). This variant has not been reported in the literature in individuals affected with PIGB-related conditions. Algorithms developed to predict the effect of missense changes on protein structure and function are either unavailable or do not agree on the potential impact of this missense change (SIFT: "Deleterious"; PolyPhen-2: "Benign"; Align-GVGD: "Class C0"). In summary, the available evidence is currently insufficient to determine the role of this variant in disease. Therefore, it has been classified as a Variant of Uncertain Significance.

NM_004855.5(PIGB):c.113A>C (p.Lys38Thr)

Gene: PIGB (phosphatidylinositol glycan anchor biosynthesis class B; plus strand). Cytogenetic location: 15q21.3.
Variant type: single nucleotide variant.
Coding change: c.113A>C on transcript NM_004855.5 (MANE Select); coding-DNA position 113, A replaced by C.
Protein change: p.Lys38Thr; replaces lysine 38 with threonine.
Molecular consequence: missense variant.
Genome position (GRCh38, 1-based): chr15:55,319,363, A>C. VCF-style: chr15-55319363-A-C. GRCh37 (hg19) VCF-style: chr15-55611561-A-C.
Other names: short protein forms K38T.
Identifiers: ClinVar variation 2107996 (VCV002107996.4), dbSNP rs996289348, ClinGen allele CA270774350.
Genomic context (GRCh38, chr15:55,319,363, plus strand): 5'-GCCTCACTTTGCATGGTCTCCAGAACCGCTCCCACGGCAAGATAAAGCTGCGAAAGAGAA[A>C]GTCTACCTTGTACTTCAACACCCAGGAGAAGAGCGCCAGGCGCCGCGGGGGTGAGTGAGG-3'
Protein context (NP_004846.4, residues 28-48): SHGKIKLRKR[Lys38Thr]STLYFNTQEK